The following is an entry in ClinVar:

ClinVar aggregate classification (germline): Uncertain significance (1 of 4 stars; one submission).

gnomAD v4.1: 22 of 1,614,072 alleles (0.0014%); highest among the groups gnomAD compares: East Asian, 0.0067%; no homozygotes.

Submission:

Labcorp Genetics (formerly Invitae), Labcorp
Classification: Uncertain significance. Last evaluated: 2024-02-15. Review status: criteria provided, single submitter. Criteria: Invitae Variant Classification Sherloc (09022015). Collection method: clinical testing. Allele origin: germline.
Comment: This sequence change replaces arginine, which is basic and polar, with glutamine, which is neutral and polar, at codon 220 of the TRPV6 protein (p.Arg220Gln). This variant is present in population databases (rs768442389, gnomAD 0.006%). This variant has not been reported in the literature in individuals affected with TRPV6-related conditions. Algorithms developed to predict the effect of missense changes on protein structure and function output the following: SIFT: "Not Available"; PolyPhen-2: "Not Available"; Align-GVGD: "Not Available". The glutamine amino acid residue is found in multiple mammalian species, which suggests that this missense change does not adversely affect protein function. In summary, the available evidence is currently insufficient to determine the role of this variant in disease. Therefore, it has been classified as a Variant of Uncertain Significance.

NM_018646.6(TRPV6):c.659G>A (p.Arg220Gln)

Gene: TRPV6 (transient receptor potential cation channel subfamily V member 6; minus strand). Cytogenetic location: 7q34.
Variant type: single nucleotide variant.
Coding change: c.659G>A on transcript NM_018646.6 (MANE Select); coding-DNA position 659, G replaced by A.
Protein change: p.Arg220Gln; replaces arginine 220 with glutamine.
Molecular consequence: missense variant.
Genome position (GRCh38, 1-based): chr7:142,876,786, C>T on the plus strand (G>A on the coding strand, the complement: TRPV6 is on the minus strand). VCF-style: chr7-142876786-C-T. GRCh37 (hg19) VCF-style: chr7-142574539-C-T.
Other names: short protein forms R220Q.
Identifiers: ClinVar variation 3687269 (VCV003687269.2).
Genomic context (GRCh38, chr7:142,876,786, plus strand): 5'-TCTCAGCTCTTACCCAGGGAGTCCTGGGCCCGGATGTCAGCTCCATGCTCAATGAGCAGC[C>T]GCACGATCTCCTCACTGTTCACACAGGCAGCAAAGGACAAAGGGTGCTCCCCTGTGGACA-3'
Protein context (NP_061116.5, residues 210-230): AACVNSEEIV[Arg220Gln]LLIEHGADIR